The following is an entry in ClinVar:

NM_000465.4(BARD1):c.159-1G>A

Gene: BARD1 (BRCA1 associated RING domain 1; minus strand). Cytogenetic location: 2q35.
Variant type: single nucleotide variant.
Coding change: c.159-1G>A on transcript NM_000465.4 (MANE Select); the canonical splice acceptor site of the intron before coding-DNA position 159, G replaced by A.
Molecular consequence: splice acceptor variant. On other transcripts: intron variant (2).
Genome position (GRCh38, 1-based): chr2:214,797,118, C>T on the plus strand (G>A on the coding strand, the complement: BARD1 is on the minus strand). VCF-style: chr2-214797118-C-T. GRCh37 (hg19) VCF-style: chr2-215661842-C-T.
Other names: c.158+12294G>A (NM_001282548.2); c.159-4673G>A (NM_001282543.2); c.159-1G>A (NM_001282545.2, NM_001282549.2).
Identifiers: ClinVar variation 578893 (VCV000578893.15), dbSNP rs879254139, ClinGen allele CA350462337.

ClinVar aggregate classification (germline): Pathogenic/Likely pathogenic. Review status: criteria provided, multiple submitters, no conflicts (2 of 4 stars). 4 submissions from 4 submitters: Pathogenic (1); Likely pathogenic (3). Last evaluated 2025-11-05.

Conditions:
Familial cancer of breast. Also called: BREAST CANCER, FAMILIAL; hereditary breast carcinoma; Hereditary breast cancer. Identifiers: Orphanet 227535, MedGen C0346153, MONDO:0016419, OMIM 114480. Disease mechanism: loss of function.
Hereditary breast ovarian cancer syndrome. Also called: Hereditary breast and ovarian cancer syndrome; Hereditary breast and ovarian cancer syndrome (HBOC); BRCA1- and BRCA2-Associated Hereditary Breast and Ovarian Cancer; Hereditary breast and/or ovarian cancer syndrome; Hereditary breast and ovarian cancer; Breast and ovarian cancer. Identifiers: Orphanet 145, MedGen C0677776, MeSH D061325, MONDO:0003582. Disease mechanism: loss of function.
Hereditary cancer-predisposing syndrome. Also called: Neoplastic Syndromes, Hereditary; Tumor predisposition; Hereditary neoplastic syndrome; Hereditary Cancer Syndrome. Identifiers: Orphanet 140162, MedGen C0027672, MeSH D009386, MONDO:0015356.

Submissions (4):

Ambry Genetics
Classification: Likely pathogenic for Hereditary cancer-predisposing syndrome. Last evaluated: 2025-11-05. Review status: criteria provided, single submitter. Criteria: Ambry Variant Classification Scheme 2023. Collection method: clinical testing. Allele origin: germline.
Comment: The c.159-1G>A intronic variant results from a G to A substitution one nucleotide upstream from coding exon 2 of the BARD1 gene. This nucleotide position is highly conserved in available vertebrate species. In silico splice site analysis predicts that this alteration will weaken the native splice acceptor site; however, direct evidence is insufficient at this time (Ambry internal data). This variant is considered to be rare based on population cohorts in the Genome Aggregation Database (gnomAD). Alterations that disrupt the canonical splice site are expected to cause aberrant splicing, resulting in an abnormal protein or a transcript that is subject to nonsense-mediated mRNA decay. As such, this alteration is classified as likely pathogenic.

Labcorp Genetics (formerly Invitae), Labcorp
Classification: Pathogenic for Familial cancer of breast. Last evaluated: 2023-09-27. Review status: criteria provided, single submitter. Criteria: Invitae Variant Classification Sherloc (09022015). Collection method: clinical testing. Allele origin: germline.
Comment: For these reasons, this variant has been classified as Pathogenic. This variant disrupts a region of the BARD1 protein in which other variant(s) (p.Cys71Tyr) have been determined to be pathogenic (PMID: 26350354, 29367421). This suggests that this is a clinically significant region of the protein, and that variants that disrupt it are likely to be disease-causing. Studies have shown that disruption of this splice site is associated with altered splicing resulting in multiple RNA products (PMID: 31843900). ClinVar contains an entry for this variant (Variation ID: 578893). This variant has not been reported in the literature in individuals affected with BARD1-related conditions. This variant is not present in population databases (gnomAD no frequency). This sequence change affects an acceptor splice site in intron 1 of the BARD1 gene. It is expected to disrupt RNA splicing. Variants that disrupt the donor or acceptor splice site typically lead to a loss of protein function (PMID: 16199547), and loss-of-function variants in BARD1 are known to be pathogenic (PMID: 20077502, 21344236).

Myriad Genetics, Inc.
Classification: Likely pathogenic for Familial cancer of breast. Last evaluated: 2023-05-18. Review status: criteria provided, single submitter. Criteria: Myriad Autosomal Dominant, Autosomal Recessive and X-Linked Classification Criteria (2023). Collection method: clinical testing. Allele origin: unknown.
Comment: This variant is considered likely pathogenic. This variant occurs within a consensus splice junction and is predicted to result in abnormal mRNA splicing of either an out-of-frame exon or an in-frame exon necessary for protein stability and/or normal function.

Women's Health and Genetics/Laboratory Corporation of America, LabCorp
Classification: Likely pathogenic for Hereditary breast and ovarian cancer syndrome. Last evaluated: 2018-04-27. Review status: criteria provided, single submitter. Criteria: LabCorp Variant Classification Summary - May 2015. Collection method: clinical testing. Allele origin: germline.
Comment: Variant summary: BARD1 c.159-1G>A is located in a canonical splice-site and is predicted to affect mRNA splicing resulting in a significantly altered protein due to either exon skipping, shortening, or inclusion of intronic material. Several computational tools predict a significant impact on normal splicing: Four predict the variant abolishes a 3' acceptor site. However, these predictions have yet to be confirmed by functional studies. The variant was absent in 245890 control chromosomes (gnomAD). To our knowledge, no occurrence of c.159-1G>A in individuals affected with Hereditary Breast and Ovarian Cancer and no experimental evidence demonstrating its impact on protein function have been reported. No clinical diagnostic laboratories have submitted clinical-significance assessments for this variant to ClinVar after 2014. Based on the evidence outlined above, the variant was classified as likely pathogenic.

Literature cited by the submitters: PubMed 26350354 (cited by Labcorp Genetics (formerly Invitae), Labcorp); PubMed 29367421 (cited by Labcorp Genetics (formerly Invitae), Labcorp); PubMed 31843900 (cited by Labcorp Genetics (formerly Invitae), Labcorp); PubMed 16199547 (cited by Labcorp Genetics (formerly Invitae), Labcorp); PubMed 20077502 (cited by Labcorp Genetics (formerly Invitae), Labcorp); PubMed 21344236 (cited by Labcorp Genetics (formerly Invitae), Labcorp).